The following is an entry in ClinVar:

NM_000245.4(MET):c.1702-12T>C

Gene: MET (MET proto-oncogene, receptor tyrosine kinase; plus strand). Cytogenetic location: 7q31.2.
Variant type: single nucleotide variant.
Coding change: c.1702-12T>C on transcript NM_000245.4 (MANE Select); 12 bases into the intron before coding-DNA position 1702, T replaced by C.
Molecular consequence: intron variant.
Genome position (GRCh38, 1-based): chr7:116,755,343, T>C. VCF-style: chr7-116755343-T-C. GRCh37 (hg19) VCF-style: chr7-116395397-T-C.
Other names: c.1702-12T>C (NM_001127500.3, NM_001324401.3); c.412-12T>C (NM_001324402.2).
Identifiers: ClinVar variation 3614866 (VCV003614866.3).

ClinVar aggregate classification (germline): Likely benign. Review status: criteria provided, multiple submitters, no conflicts (2 of 4 stars). 2 submissions from 2 submitters: Likely benign (2). Last evaluated 2025-11-12.

Conditions:
Papillary renal cell carcinoma type 1 (RCCP1). Also called: Renal adenocarcinoma; Renal cell carcinoma 1; Renal cell carcinoma, somatic; RENAL CELL CARCINOMA, PAPILLARY, 1, SOMATIC. Identifiers: Orphanet 47044, MedGen C1336839, OMIM 605074, HP:0011797.
Renal cell carcinoma. Identifiers: Orphanet 217071, MedGen C0007134, MeSH D002292, MONDO:0005086, HP:0005584.

Submissions (2):

Labcorp Genetics (formerly Invitae), Labcorp
Classification: Likely benign for Renal cell carcinoma. Last evaluated: 2025-11-12. Review status: criteria provided, single submitter. Criteria: Invitae Variant Classification Sherloc (09022015). Collection method: clinical testing. Allele origin: germline.

Myriad Genetics, Inc.
Classification: Likely benign for Papillary renal cell carcinoma type 1. Last evaluated: 2024-11-07. Review status: criteria provided, single submitter. Criteria: Myriad Autosomal Dominant, Autosomal Recessive and X-Linked Classification Criteria (2023). Collection method: clinical testing. Allele origin: unknown.
Comment: This variant is considered likely benign. This variant is intronic and is not expected to impact mRNA splicing.